The following is an entry in ClinVar:

NM_001367624.2(ZNF469):c.3349C>T (p.Arg1117Ter)

Gene: ZNF469 (zinc finger protein 469; plus strand). Cytogenetic location: 16q24.2.
Variant type: single nucleotide variant.
Coding change: c.3349C>T on transcript NM_001367624.2 (MANE Select); coding-DNA position 3349, C replaced by T.
Protein change: p.Arg1117Ter; replaces arginine 1117 with a stop codon.
Molecular consequence: nonsense.
Genome position (GRCh38, 1-based): chr16:88,430,819, C>T. VCF-style: chr16-88430819-C-T. GRCh37 (hg19) VCF-style: chr16-88497227-C-T.
Other names: short protein forms R1117*.
Identifiers: ClinVar variation 3723324 (VCV003723324.2).

ClinVar aggregate classification (germline): Pathogenic (1 of 4 stars; one submission).

Submission:

Labcorp Genetics (formerly Invitae), Labcorp
Classification: Pathogenic. Last evaluated: 2025-05-27. Review status: criteria provided, single submitter. Criteria: Invitae Variant Classification Sherloc (09022015). Collection method: clinical testing. Allele origin: germline.
Comment: This sequence change creates a premature translational stop signal (p.Arg1089*) in the ZNF469 gene. While this is not anticipated to result in nonsense mediated decay, it is expected to disrupt the last 2837 amino acid(s) of the ZNF469 protein. This variant is not present in population databases (gnomAD no frequency). This variant has not been reported in the literature in individuals affected with ZNF469-related conditions. ClinVar contains an entry for this variant (Variation ID: 3723324). This variant disrupts a region of the ZNF469 protein in which other variant(s) (p.Pro3556Glnfs*136) have been determined to be pathogenic (PMID: 32671420). This suggests that this is a clinically significant region of the protein, and that variants that disrupt it are likely to be disease-causing. For these reasons, this variant has been classified as Pathogenic.

Literature cited by the submitters: PubMed 32671420.